The following is an entry in ClinVar:

NM_000338.3(SLC12A1):c.2435T>G (p.Ile812Arg)

Gene: SLC12A1 (solute carrier family 12 member 1; plus strand). Cytogenetic location: 15q21.1.
Variant type: single nucleotide variant.
Coding change: c.2435T>G on transcript NM_000338.3 (MANE Select); coding-DNA position 2435, T replaced by G.
Protein change: p.Ile812Arg; replaces isoleucine 812 with arginine.
Molecular consequence: missense variant.
Genome position (GRCh38, 1-based): chr15:48,274,603, T>G. VCF-style: chr15-48274603-T-G. GRCh37 (hg19) VCF-style: chr15-48566800-T-G.
Other names: c.2435T>G, p.Ile812Arg (NM_001184832.2); short protein forms I812R.
Identifiers: ClinVar variation 586599 (VCV000586599.4), dbSNP rs201516084, ClinGen allele CA269446656.

ClinVar aggregate classification (germline): Uncertain significance. Review status: criteria provided, multiple submitters, no conflicts (2 of 4 stars). 3 submissions from 3 submitters: Uncertain significance (3). Last evaluated 2025-02-06.

Conditions:
Bartter disease type 1. Also called: Bartter syndrome, type 1, antenatal; Bartter Syndrome type 1; HYPERPROSTAGLANDIN E SYNDROME 1; HYPOKALEMIC ALKALOSIS WITH HYPERCALCIURIA 1, ANTENATAL. Identifiers: Orphanet 112, Orphanet 620217, MedGen C1866495, MONDO:0100344, OMIM 601678, MONDO:0011127.

Allele frequency attached by ClinVar (database versions not stated): ESP Exome Variant Server 0.00008.

Submissions (3):

GeneDx
Classification: Uncertain significance. Last evaluated: 2025-02-06. Review status: criteria provided, single submitter. Criteria: GeneDx Variant Classification Process June 2021. Collection method: clinical testing. Allele origin: germline. Affected: yes.
Comment: Not observed at significant frequency in large population cohorts (gnomAD); In silico analysis supports that this missense variant has a deleterious effect on protein structure/function; Has not been previously published as pathogenic or benign to our knowledge

Fulgent Genetics
Classification: Uncertain significance for Bartter disease type 1. Last evaluated: 2018-10-31. Review status: criteria provided, single submitter. Criteria: ACMG Guidelines, 2015. Collection method: clinical testing. Allele origin: unknown.

Athena Diagnostics
Classification: Uncertain significance. Last evaluated: 2017-09-18. Review status: criteria provided, single submitter. Criteria: Athena Diagnostics Criteria. Collection method: clinical testing. Allele origin: germline.